The following is an entry in ClinVar:

NM_001378030.1(CCDC78):c.729C>A (p.Tyr243Ter)

Gene: CCDC78 (coiled-coil domain containing 78; minus strand). Cytogenetic location: 16p13.3.
Variant type: single nucleotide variant.
Coding change: c.729C>A on transcript NM_001378030.1 (MANE Select); coding-DNA position 729, C replaced by A.
Protein change: p.Tyr243Ter; replaces tyrosine 243 with a stop codon.
Molecular consequence: nonsense. On other transcripts: non-coding transcript variant (5), intron variant (1).
Genome position (GRCh38, 1-based): chr16:724,717, G>T on the plus strand (C>A on the coding strand, the complement: CCDC78 is on the minus strand). VCF-style: chr16-724717-G-T. GRCh37 (hg19) VCF-style: chr16-774717-G-T.
Other names: c.729C>A, p.Tyr243Ter (NM_001031737.3, NM_001378031.1); c.199-208C>A (NM_001378033.1); short protein forms Y243*.
Identifiers: ClinVar variation 4721976 (VCV004721976.1).

ClinVar aggregate classification (germline): Uncertain significance (1 of 4 stars; one submission).

Conditions:
Congenital myopathy with internal nuclei and atypical cores. Also called: Myopathy, centronuclear, 4. Identifiers: Orphanet 319160, MedGen C4707232, MONDO:0013890, OMIM 614807.

Submission:

Labcorp Genetics (formerly Invitae), Labcorp
Classification: Uncertain significance for Congenital myopathy with internal nuclei and atypical cores. Last evaluated: 2025-06-23. Review status: criteria provided, single submitter. Criteria: Invitae Variant Classification Sherloc (09022015). Collection method: clinical testing. Allele origin: germline.
Comment: This sequence change creates a premature translational stop signal (p.Tyr243*) in the CCDC78 gene. It is expected to result in an absent or disrupted protein product. However, the current clinical and genetic evidence is not sufficient to establish whether loss-of-function variants in CCDC78 cause disease. This variant is not present in population databases (gnomAD no frequency). This variant has not been reported in the literature in individuals affected with CCDC78-related conditions. Algorithms developed to predict the effect of sequence changes on RNA splicing suggest that this variant may disrupt the consensus splice site. In summary, the available evidence is currently insufficient to determine the role of this variant in disease. Therefore, it has been classified as a Variant of Uncertain Significance.